The following is an entry in ClinVar:

ClinVar aggregate classification (germline): Uncertain significance. Review status: criteria provided, single submitter (1 of 4 stars). 2 submissions from 2 submitters: Uncertain significance (1). 1 of the submissions does not count toward it. Last evaluated 2022-03-23.

Conditions:
PLXNA1-related disorder. Also called: PLXNA1-related condition.

Allele frequency attached by ClinVar (database versions not stated): gnomAD exomes 0.00001; TOPMed 0.00002.
gnomAD v4.1: 16 of 1,613,512 alleles (0.00099%); highest among the groups gnomAD compares: African/African-American, 0.0027%; no homozygotes.

Submissions (2):

Ambry Genetics
Classification: Uncertain significance. Last evaluated: 2022-03-23. Review status: criteria provided, single submitter. Criteria: Ambry Variant Classification Scheme 2023. Collection method: clinical testing. Allele origin: germline.

PreventionGenetics, part of Exact Sciences
Classification: Uncertain significance for PLXNA1-related condition. Last evaluated: 2024-06-13. Review status: no assertion criteria provided. Collection method: clinical testing. Allele origin: germline. Not counted in ClinVar's aggregate classification.
Comment: The PLXNA1 c.779C>T variant is predicted to result in the amino acid substitution p.Thr260Met. To our knowledge, this variant has not been reported in the literature. This variant is reported in 0.0040% of alleles in individuals of African descent in gnomAD. At this time, the clinical significance of this variant is uncertain due to the absence of conclusive functional and genetic evidence.

NM_032242.4(PLXNA1):c.779C>T (p.Thr260Met)

Gene: PLXNA1 (plexin A1; plus strand). Cytogenetic location: 3q21.3.
Variant type: single nucleotide variant.
Coding change: c.779C>T on transcript NM_032242.4 (MANE Select); coding-DNA position 779, C replaced by T.
Protein change: p.Thr260Met; replaces threonine 260 with methionine.
Molecular consequence: missense variant.
Genome position (GRCh38, 1-based): chr3:126,989,372, C>T. VCF-style: chr3-126989372-C-T. GRCh37 (hg19) VCF-style: chr3-126708215-C-T.
Other names: short protein forms T260M.
Identifiers: ClinVar variation 2279518 (VCV002279518.3), dbSNP rs201617251, ClinGen allele CA83279010.